The following is an entry in ClinVar:

ClinVar aggregate classification (germline): Likely benign (0 of 4 stars; one submission).

Conditions:
DENND4B-related disorder. Also called: DENND4B-related condition.

Allele frequency attached by ClinVar (database versions not stated): gnomAD 0.00008; ExAC 0.00011; gnomAD exomes 0.00011; TOPMed 0.00011; ESP Exome Variant Server 0.00024.

Submission:

PreventionGenetics, part of Exact Sciences
Classification: Likely benign for DENND4B-related condition. Last evaluated: 2019-03-05. Review status: no assertion criteria provided. Collection method: clinical testing. Allele origin: germline.
Comment: This variant is classified as likely benign based on ACMG/AMP sequence variant interpretation guidelines (Richards et al. 2015 PMID: 25741868, with internal and published modifications).

NM_014856.3(DENND4B):c.3913T>C (p.Leu1305=)

Gene: DENND4B (DENN domain containing 4B; minus strand). Cytogenetic location: 1q21.3.
Variant type: single nucleotide variant.
Coding change: c.3913T>C on transcript NM_014856.3 (MANE Select); coding-DNA position 3913, T replaced by C.
Protein change: p.Leu1305=; no amino-acid change (leucine 1305 retained).
Molecular consequence: synonymous variant.
Genome position (GRCh38, 1-based): chr1:153,932,287, A>G on the plus strand (T>C on the coding strand, the complement: DENND4B is on the minus strand). VCF-style: chr1-153932287-A-G. GRCh37 (hg19) VCF-style: chr1-153904763-A-G.
Other names: c.3946T>C, p.Leu1316= (NM_001367466.1).
Identifiers: ClinVar variation 3033743 (VCV003033743.2), dbSNP rs374970748, ClinGen allele CA1121090.